The following is an entry in ClinVar:

ClinVar aggregate classification (germline): Uncertain significance (1 of 4 stars; one submission).

Conditions:
Epilepsy, familial adult myoclonic, 5 (EPEO5). Also called: CORTICAL MYOCLONIC TREMOR WITH EPILEPSY, FAMILIAL, 5. Identifiers: Orphanet 86814, MedGen C3809374, MONDO:0014167, OMIM 615400.

Submission:

Labcorp Genetics (formerly Invitae), Labcorp
Classification: Uncertain significance for Epilepsy, familial adult myoclonic, 5. Last evaluated: 2022-02-23. Review status: criteria provided, single submitter. Criteria: Invitae Variant Classification Sherloc (09022015). Collection method: clinical testing. Allele origin: germline.
Comment: In summary, the available evidence is currently insufficient to determine the role of this variant in disease. Therefore, it has been classified as a Variant of Uncertain Significance. Advanced modeling of protein sequence and biophysical properties (such as structural, functional, and spatial information, amino acid conservation, physicochemical variation, residue mobility, and thermodynamic stability) performed at Invitae indicates that this missense variant is not expected to disrupt CNTN2 protein function. This variant has not been reported in the literature in individuals affected with CNTN2-related conditions. This variant is not present in population databases (gnomAD no frequency). This sequence change replaces alanine, which is neutral and non-polar, with aspartic acid, which is acidic and polar, at codon 63 of the CNTN2 protein (p.Ala63Asp).

NM_005076.5(CNTN2):c.188C>A (p.Ala63Asp)

Gene: CNTN2 (contactin 2; plus strand). Cytogenetic location: 1q32.1.
Variant type: single nucleotide variant.
Coding change: c.188C>A on transcript NM_005076.5 (MANE Select); coding-DNA position 188, C replaced by A.
Protein change: p.Ala63Asp; replaces alanine 63 with aspartic acid.
Molecular consequence: missense variant. On other transcripts: non-coding transcript variant (1).
Genome position (GRCh38, 1-based): chr1:205,058,038, C>A. VCF-style: chr1-205058038-C-A. GRCh37 (hg19) VCF-style: chr1-205027166-C-A.
Other names: c.188C>A, p.Ala63Asp (NM_001346083.2); short protein forms A63D.
Identifiers: ClinVar variation 2096803 (VCV002096803.4), dbSNP rs2526346095, ClinGen allele CA344403314.